The following is an entry in ClinVar:

NM_020832.3(ZNF687):c.1954G>T (p.Ala652Ser)

Gene: ZNF687 (zinc finger protein 687; plus strand). Cytogenetic location: 1q21.3.
Variant type: single nucleotide variant.
Coding change: c.1954G>T on transcript NM_020832.3 (MANE Select); coding-DNA position 1954, G replaced by T.
Protein change: p.Ala652Ser; replaces alanine 652 with serine.
Molecular consequence: missense variant.
Genome position (GRCh38, 1-based): chr1:151,288,245, G>T. VCF-style: chr1-151288245-G-T. GRCh37 (hg19) VCF-style: chr1-151260721-G-T.
Other names: c.1954G>T, p.Ala652Ser (NM_001304763.2, NM_001304764.2); short protein forms A652S.
Identifiers: ClinVar variation 2974974 (VCV002974974.3), dbSNP rs758090267, ClinGen allele CA1088423.
Genomic context (GRCh38, chr1:151,288,245, plus strand): 5'-GCCTTGGGCAAGGGTGAGGGGGCCATCACCTCCTCTGCCATTACTACAGTTGCTGCTGAG[G>T]CCCCTGTCCTGCCGCTCTCCACAGAGCCGCCTGCTGCCCCGGCCACCTCTGCTTACACAT-3'
Protein context (NP_065883.1, residues 642-662): SSAITTVAAE[Ala652Ser]PVLPLSTEPP

ClinVar aggregate classification (germline): Uncertain significance (1 of 4 stars; one submission).

Allele frequency attached by ClinVar (database versions not stated): ExAC 0.00001; gnomAD 0.00001; gnomAD exomes 0.00002; TOPMed 0.00002.

Submission:

Labcorp Genetics (formerly Invitae), Labcorp
Classification: Uncertain significance. Last evaluated: 2024-04-13. Review status: criteria provided, single submitter. Criteria: Invitae Variant Classification Sherloc (09022015). Collection method: clinical testing. Allele origin: germline.
Comment: This sequence change replaces alanine, which is neutral and non-polar, with serine, which is neutral and polar, at codon 652 of the ZNF687 protein (p.Ala652Ser). This variant is present in population databases (rs758090267, gnomAD 0.0009%). This variant has not been reported in the literature in individuals affected with ZNF687-related conditions. Algorithms developed to predict the effect of missense changes on protein structure and function output the following: SIFT: "Not Available"; PolyPhen-2: "Benign"; Align-GVGD: "Not Available". The serine amino acid residue is found in multiple mammalian species, which suggests that this missense change does not adversely affect protein function. In summary, the available evidence is currently insufficient to determine the role of this variant in disease. Therefore, it has been classified as a Variant of Uncertain Significance.